The following is an entry in ClinVar:

ClinVar aggregate classification (germline): Pathogenic (1 of 4 stars; one submission).

Conditions:
NDE1-related microhydranencephaly (MHAC). Also called: HYDRANENCEPHALY AND MICROCEPHALY. Identifiers: Orphanet 443162, MedGen C1857977, MONDO:0011504, OMIM 605013.

Submission:

Cellular and Molecular Research Center, Cellular and Molecular Medicine Research Institute,, Urmia University of Medical Sciences
Classification: Pathogenic for NDE1-related microhydranencephaly. Last evaluated: 2026-10-18. Review status: criteria provided, single submitter. Criteria: ACMG Guidelines, 2015. Collection method: clinical testing. Allele origin: germline. Inheritance: Autosomal recessive inheritance. Affected: yes. Observed: 1 variant allele, 1 homozygote.
Comment: The NDE1 gene encodes NudE Neurodevelopment Protein 1, which plays an essential role in centrosome function, mitotic spindle organization, and cerebral cortical development. Biallelic pathogenic variants in NDE1 are associated with autosomal recessive lissencephaly 4 with microcephaly and microhydranencephaly. The identified homozygous variant, NM_017668:c.95delC, p.(Thr32SerfsTer111) (Chr16:15761153 AC>A), is a frameshift deletion predicted to introduce a premature termination codon, potentially resulting in a truncated or non-functional protein. Loss of NDE1 function is an established disease mechanism. Given its predicted loss-of-function effect, established association of NDE1 with microcephaly-related brain malformations, and the patient's clinical presentation, this variant is considered pathogenic.

Literature cited by the submitters: PubMed 22526350.

NM_017668.3(NDE1):c.95del (p.Thr32fs)

Gene: NDE1 (nudE neurodevelopment protein 1; plus strand). Cytogenetic location: 16p13.11.
Variant type: Deletion.
Coding change: c.95del on transcript NM_017668.3 (MANE Select); coding-DNA position 95, one base deleted (C; older notation c.95delC).
Protein change: p.Thr32fs; shifts the reading frame from threonine 32.
Molecular consequence: frameshift variant.
Genome position (GRCh38, 1-based): chr16:15,667,297, C deleted. VCF-style (leftmost placement, unchanged base first): chr16-15667296-AC-A. GRCh37 (hg19) VCF-style: chr16-15761153-AC-A.
Other names: c.95del, p.Thr32fs (NM_001143979.2); c.95delC (NM_017668.3); short protein forms T32fs.
Identifiers: ClinVar variation 5043355 (VCV005043355.1).